The following is an entry in ClinVar:

NM_001711.6(BGN):c.540C>T (p.Ser180=)

Gene: BGN (biglycan; plus strand). Cytogenetic location: Xq28.
Variant type: single nucleotide variant.
Coding change: c.540C>T on transcript NM_001711.6 (MANE Select); coding-DNA position 540, C replaced by T.
Protein change: p.Ser180=; no amino-acid change (serine 180 retained).
Molecular consequence: synonymous variant.
Genome position (GRCh38, 1-based): chrX:153,506,051, C>T. VCF-style: chrX-153506051-C-T. GRCh37 (hg19) VCF-style: chrX-152771509-C-T.
Other names: p.Ser180=; c.540C>T (NM_001711.5, NM_001711.4).
Identifiers: ClinVar variation 1166521 (VCV001166521.21), dbSNP rs1126499, ClinGen allele CA10547258.
Genomic context (GRCh38, chrX:153,506,051, plus strand): 5'-CCTGGTGGAGCTCCGCATCCACGACAACCGCATCCGCAAGGTGCCCAAGGGAGTGTTCAG[C>T]GGGCTCCGGAACATGAACTGCATCGGTGAGCTGAGGGCCTCCCAGAACATTCCAGAGCCT-3'
Protein context (NP_001702.1, residues 170-190): RIRKVPKGVF[Ser180=]GLRNMNCIEM

ClinVar aggregate classification (germline): Benign. Review status: criteria provided, multiple submitters, no conflicts (2 of 4 stars). 9 submissions from 8 submitters: Benign (9). Last evaluated 2026-02-04.

Conditions:
Meester-Loeys syndrome. Also called: X-linked severe syndromic thoracic aortic aneurysm and dissection. Identifiers: Orphanet 622925, MedGen C4310811, MONDO:0010515, OMIM 300989.
Cardiovascular phenotype. Identifiers: MedGen CN230736.
X-linked spondyloepimetaphyseal dysplasia. Identifiers: Orphanet 93349, MedGen C1848097, MONDO:0010248, OMIM 300106.

Allele frequency attached by ClinVar (database versions not stated): 1000 Genomes Project 0.33536; 1000 Genomes Project 30x 0.33007; ESP Exome Variant Server 0.35624; TOPMed 0.35885; gnomAD exomes 0.42617 and 0.46330; ExAC 0.42672.
gnomAD v4.1: 548,673 of 1,208,518 alleles (45%); highest among the groups gnomAD compares: Non-Finnish European, 48%; 86,306 homozygotes.

Submissions (9):

Labcorp Genetics (formerly Invitae), Labcorp
Classification: Benign. Last evaluated: 2026-02-04. Review status: criteria provided, single submitter. Criteria: Invitae Variant Classification Sherloc (09022015). Collection method: clinical testing. Allele origin: germline.

Blueprint Genetics
Classification: Benign. Last evaluated: 2024-11-28. Review status: criteria provided, single submitter. Criteria: ACMG Guidelines, 2015. Collection method: clinical testing. Allele origin: germline.

Women's Health and Genetics/Laboratory Corporation of America, LabCorp
Classification: Benign. Last evaluated: 2023-04-04. Review status: criteria provided, single submitter. Criteria: LabCorp Variant Classification Summary - May 2015. Collection method: clinical testing. Allele origin: germline.

Mayo Clinic Laboratories, Mayo Clinic
Classification: Benign. Last evaluated: 2023-01-04. Review status: criteria provided, single submitter. Criteria: ACMG Guidelines, 2015. Collection method: clinical testing. Allele origin: germline. Observed: 412 variant alleles.
Comment: BA1, BP4, BP7

Genome-Nilou Lab
Classification: Benign for Meester-Loeys syndrome. Last evaluated: 2021-07-14. Review status: criteria provided, single submitter. Criteria: ACMG Guidelines, 2015. Collection method: clinical testing. Allele origin: germline. Affected: no.

Genome-Nilou Lab
Classification: Benign for X-linked spondyloepimetaphyseal dysplasia. Last evaluated: 2021-07-14. Review status: criteria provided, single submitter. Criteria: ACMG Guidelines, 2015. Collection method: clinical testing. Allele origin: germline. Affected: no.

Ambry Genetics
Classification: Benign for Cardiovascular phenotype. Last evaluated: 2018-12-04. Review status: criteria provided, single submitter. Criteria: Ambry Variant Classification Scheme 2023. Collection method: clinical testing. Allele origin: germline.

GeneDx
Classification: Benign. Last evaluated: 2018-09-06. Review status: criteria provided, single submitter. Criteria: GeneDx Variant Classification Process June 2021. Collection method: clinical testing. Allele origin: germline. Affected: yes.
Comment: This variant is associated with the following publications: (PMID: 25173489)

Breakthrough Genomics
Classification: Benign. Review status: criteria provided, single submitter. Criteria: ACMG Guidelines, 2015. Collection method: not provided. Allele origin: germline. Inheritance: X-linked inheritance. Affected: yes.